The following is an entry in ClinVar:

ClinVar aggregate classification (germline): Conflicting classifications of pathogenicity. Review status: criteria provided, conflicting classifications (1 of 4 stars). 3 submissions from 3 submitters: Pathogenic (1); Uncertain significance (1). 1 of the submissions does not count toward it. Last evaluated 2023-09-14.

Conditions:
Hypertrophic cardiomyopathy 26. Also called: Cardiomyopathy, familial hypertrophic, 26. Identifiers: Orphanet 75249, MedGen C4310749, MONDO:0014883, OMIM 617047.
Erythrocytosis, familial, 6. Also called: ERYTHROCYTOSIS, BETA-GLOBIN TYPE; POLYCYTHEMIA, BETA-GLOBIN TYPE. Identifiers: MedGen C4693822, MONDO:0054801, OMIM 617980.
HEMOGLOBIN VILA REAL.

Submissions (3):

Human Genetics Bochum, Ruhr University Bochum
Classification: Uncertain significance for Hypertrophic cardiomyopathy 26. Last evaluated: 2023-09-14. Review status: criteria provided, single submitter. Criteria: ACMG Guidelines, 2015. Collection method: clinical testing. Allele origin: germline. Affected: yes.
Comment: ACMG criteria used to clasify this variant: PP3_STR, PM2_SUP

Unidade de Eritropatologia e Metabolismo do Ferro, Centro Hospitalar e Universitário de Coimbra
Classification: Pathogenic for Erythrocytosis, familial, 6. Last evaluated: 2020-01-14. Review status: criteria provided, single submitter. Criteria: Bento et al. (Hemoglobin. 2000). Collection method: in vivo. Allele origin: germline. Inheritance: Autosomal dominant inheritance. Affected: yes. Observed: 1 heterozygote.
Comment: The mutation CCT-CAT at codon 37 leads to the replacement of a proline residue by a histidine in the a1b2 contact of the Hb molecule and represents an important structural change causing a decreased molecular stability. This would predictably shift the equilibrium between deoxy-Hb and oxy-Hb slightly towards the oxy-Hb form. The oxygen equilibrium, measured with an automatic oxygenation apparatus was shifted leftward and the P50 was 17.0 mmHg (normal 26-27 mmHg) confirming a Hb with higher oxygen affinity than normal. Hb Vila Real b36 (C2) Pro>His is the forth abnormal Hb found with an amino acid substitution at position 37 of the b-chain. The other three variants, Hb Linkoping, Hb North Chicago and Hb Sunnybrook also have increased oxygen affinity.

OMIM
Classification: other for HEMOGLOBIN VILA REAL. Last evaluated: 2017-12-12. Review status: no assertion criteria provided. Collection method: literature only. Allele origin: germline. Not counted in ClinVar's aggregate classification.

Literature cited by the submitters: PubMed 24115288 (cited by Human Genetics Bochum, Ruhr University Bochum); PubMed 11939509 (cited by Unidade de Eritropatologia e Metabolismo do Ferro, Centro Hospitalar e Universitário de Coimbra and OMIM); PubMed 10722117 (cited by OMIM).

NM_000518.4(HBB):c.110C>A (p.Pro37His)

Genes: HBB (hemoglobin subunit beta; minus strand), LOC106099062 (HBB recombination region; plus strand), LOC107133510 (origin of replication at HBB; plus strand). Cytogenetic location: 11p15.4.
Variant type: single nucleotide variant.
Coding change: c.110C>A on transcript NM_000518.4; coding-DNA position 110, C replaced by A.
Protein change: p.Pro37His; replaces proline 37 with histidine.
Molecular consequence: missense variant (on NM_000518.5).
Genome position (GRCh38, 1-based): chr11:5,226,782, G>T on the plus strand (C>A on the coding strand, the complement: HBB is on the minus strand). VCF-style: chr11-5226782-G-T. GRCh37 (hg19) VCF-style: chr11-5248012-G-T.
Other names: P36H; c.110C>A, p.Pro37His (NM_000518.5); short protein forms P37H.
Identifiers: ClinVar variation 15578 (VCV000015578.6), dbSNP rs33993004, ClinGen allele CA125480.
Genomic context (GRCh38, chr11:5,226,782, plus strand): 5'-CCCATAACAGCATCAGGAGTGGACAGATCCCCAAAGGACTCAAAGAACCTCTGGGTCCAA[G>T]GGTAGACCACCAGCAGCCTAAGGGTGGGAAAATAGACCAATAGGCAGAGAGAGTCAGTGC-3'
Protein context (NP_000509.1, residues 27-47): EALGRLLVVY[Pro37His]WTQRFFESFG